The following is an entry in ClinVar:

ClinVar aggregate classification (germline): Conflicting classifications of pathogenicity. Review status: criteria provided, conflicting classifications (1 of 4 stars). 2 submissions from 2 submitters: Likely pathogenic (1); Uncertain significance (1). Last evaluated 2023-06-19.

Conditions:
Loeys-Dietz syndrome 1 (LDS1). Also called: TGFBR1-Related Loeys-Dietz Syndrome; FURLONG SYNDROME; AORTIC ANEURYSM, FAMILIAL THORACIC 5. Identifiers: Orphanet 60030, MedGen C4551955, MONDO:0012212, OMIM 609192.
Familial thoracic aortic aneurysm and aortic dissection (TAAD). Also called: Thoracic aortic aneurysms and dissections. Identifiers: Orphanet 91387, MedGen C4707243, MONDO:0019625.

Submissions (2):

Revvity Omics, Revvity
Classification: Likely pathogenic for Loeys-Dietz syndrome 1. Last evaluated: 2023-06-19. Review status: criteria provided, single submitter. Criteria: ACMG Guidelines, 2015. Collection method: clinical testing. Allele origin: germline.

Color Diagnostics, LLC DBA Color Health
Classification: Uncertain significance for Familial thoracic aortic aneurysm and aortic dissection. Last evaluated: 2019-03-21. Review status: criteria provided, single submitter. Criteria: ACMG Guidelines, 2015. Collection method: clinical testing. Allele origin: germline.
Comment: Variant of Uncertain Significance due to insufficient evidence: This variant deletes 1 nucleotide in exon 3 of the TGFBR1 gene, creating a frameshift and premature translation stop signal. This variant is expected to result in an absent or non-functional protein product. Computational splicing tools suggest that this variant may not impact RNA splicing. To our knowledge, functional assays have not been performed for this variant nor has this variant been reported in individuals affected with cardiovascular disorders in the literature. This variant has not been identified in the general population by the Genome Aggregation Database (gnomAD). The role of TGFBR2 truncation variants in cardiovascular disorders is not clearly established. Available evidence is insufficient to determine the role of this variant in disease conclusively.

NM_004612.4(TGFBR1):c.487del (p.Asp163fs)

Gene: TGFBR1 (transforming growth factor beta receptor 1; plus strand). Cytogenetic location: 9q22.33.
Variant type: Deletion.
Coding change: c.487del on transcript NM_004612.4 (MANE Select); coding-DNA position 487, one base deleted (G; older notation c.487delG).
Protein change: p.Asp163fs; shifts the reading frame from aspartic acid 163.
Molecular consequence: frameshift variant. On other transcripts: intron variant (1).
Genome position (GRCh38, 1-based): chr9:99,132,652, G deleted; the last of 2 consecutive G bases (chr9:99,132,651-99,132,652); deleting either gives the same sequence. VCF-style (leftmost placement, unchanged base first): chr9-99132650-AG-A. GRCh37 (hg19) VCF-style: chr9-101894932-AG-A.
Other names: c.499del, p.Asp167fs (NM_001306210.2); c.343+3552del (NM_001130916.3); short protein forms D163fs, D167fs.
Identifiers: ClinVar variation 925487 (VCV000925487.5), dbSNP rs1827276619, ClinGen allele CA913187639.